The following is an entry in ClinVar:

NM_006096.4(NDRG1):c.583C>T (p.Leu195Phe)

Gene: NDRG1 (N-myc downstream regulated 1; minus strand). Cytogenetic location: 8q24.22.
Variant type: single nucleotide variant.
Coding change: c.583C>T on transcript NM_006096.4 (MANE Select); coding-DNA position 583, C replaced by T.
Protein change: p.Leu195Phe; replaces leucine 195 with phenylalanine.
Molecular consequence: missense variant.
Genome position (GRCh38, 1-based): chr8:133,254,550, G>A on the plus strand (C>T on the coding strand, the complement: NDRG1 is on the minus strand). VCF-style: chr8-133254550-G-A. GRCh37 (hg19) VCF-style: chr8-134266793-G-A.
Other names: c.583C>T, p.Leu195Phe (NM_001135242.2, NM_001374845.1, NM_001374846.1); c.385C>T, p.Leu129Phe (NM_001258432.2, NM_001374847.1); c.340C>T, p.Leu114Phe (NM_001258433.2); c.634C>T, p.Leu212Phe (NM_001374844.1); short protein forms L114F, L129F, L195F, L212F.
Identifiers: ClinVar variation 994386 (VCV000994386.12), dbSNP rs1295024326, ClinGen allele CA372255541.

ClinVar aggregate classification (germline): Uncertain significance. Review status: criteria provided, multiple submitters, no conflicts (2 of 4 stars). 3 submissions from 3 submitters: Uncertain significance (2). 1 of the submissions does not count toward it. Last evaluated 2021-09-17.

Conditions:
Charcot-Marie-Tooth disease type 4. Also called: Charcot-Marie-Tooth disease, type IV; Charcot-Marie-Tooth, Type 4. Identifiers: Orphanet 64749, MedGen C4082197, MONDO:0018995.
Charcot-Marie-Tooth disease type 4D. Also called: NEUROPATHY, HEREDITARY MOTOR AND SENSORY, LOM TYPE; CHARCOT-MARIE-TOOTH DISEASE, DEMYELINATING, TYPE 4D; CHARCOT-MARIE-TOOTH DISEASE, DEMYELINATING, AUTOSOMAL RECESSIVE, TYPE 4D; Charcot-Marie-Tooth Neuropathy Type 4D. Identifiers: Orphanet 99950, MedGen C1832334, MONDO:0011085, OMIM 601455.

Allele frequency attached by ClinVar (database versions not stated): gnomAD exomes 0.00001; TOPMed 0.00001.

Submissions (3):

Labcorp Genetics (formerly Invitae), Labcorp
Classification: Uncertain significance for Charcot-Marie-Tooth disease type 4. Last evaluated: 2021-09-17. Review status: criteria provided, single submitter. Criteria: Invitae Variant Classification Sherloc (09022015). Collection method: clinical testing. Allele origin: germline.
Comment: This sequence change replaces leucine with phenylalanine at codon 195 of the NDRG1 protein (p.Leu195Phe). The leucine residue is moderately conserved and there is a small physicochemical difference between leucine and phenylalanine. This variant is not present in population databases (ExAC no frequency). This variant has not been reported in the literature in individuals with NDRG1-related conditions. Algorithms developed to predict the effect of missense changes on protein structure and function output the following: SIFT: "Tolerated"; PolyPhen-2: "Benign"; Align-GVGD: "Class C0". The phenylalanine amino acid residue is found in multiple mammalian species, suggesting that this missense change does not adversely affect protein function. These predictions have not been confirmed by published functional studies and their clinical significance is uncertain. In summary, the available evidence is currently insufficient to determine the role of this variant in disease. Therefore, it has been classified as a Variant of Uncertain Significance.

ARUP Laboratories, Molecular Genetics and Genomics, ARUP Laboratories
Classification: Uncertain significance for Charcot-Marie-Tooth disease type 4D. Last evaluated: 2019-09-03. Review status: criteria provided, single submitter. Criteria: ARUP Molecular Germline Variant Investigation Process. Collection method: clinical testing. Allele origin: germline.
Comment: The NDRG1 c.583C>T; p.Leu195Phe variant (rs1295024326), to our knowledge, is not reported in the medical literature or gene specific databases. This variant is listed in the Genome Aggregation Database (gnomAD) with an overall population frequency of 0.0008 percent (identified on 2 out of 251,312 chromosomes). The leucine at position 195 is highly conserved and computational analyses of the effects of the p.Leu195Phe variant on protein structure and function is conflicting (SIFT: tolerated, PolyPhen-2: probably damaging). Altogether, there is not enough evidence to classify the p.Leu195Phe variant with certainty.

Natera, Inc.
Classification: Uncertain significance for Charcot-Marie-Tooth disease type 4D. Last evaluated: 2020-12-31. Review status: no assertion criteria provided. Collection method: clinical testing. Allele origin: germline. Not counted in ClinVar's aggregate classification.